The following is an entry in ClinVar:

ClinVar aggregate classification (germline): Likely benign. Review status: criteria provided, single submitter (1 of 4 stars). 2 submissions from 2 submitters: Likely benign (1). 1 of the submissions does not count toward it. Last evaluated 2024-06-01.

Conditions:
ASH1L-related disorder. Also called: ASH1L-related condition.

Allele frequency attached by ClinVar (database versions not stated): gnomAD exomes 0.00003; TOPMed 0.00003; gnomAD 0.00007; ESP Exome Variant Server 0.00008; ExAC 0.00011.
gnomAD v4.1: 62 of 1,613,896 alleles (0.0038%); highest among the groups gnomAD compares: Non-Finnish European, 0.0025%; no homozygotes.

Submissions (2):

CeGaT Center for Human Genetics Tuebingen
Classification: Likely benign. Last evaluated: 2024-06-01. Review status: criteria provided, single submitter. Criteria: CeGaT Center For Human Genetics Tuebingen Variant Classification Criteria Version 2. Collection method: clinical testing. Allele origin: germline. Affected: yes. Observed: 2 variant alleles.
Comment: ASH1L: BP4

PreventionGenetics, part of Exact Sciences
Classification: Likely benign for ASH1L-related condition. Last evaluated: 2021-05-04. Review status: no assertion criteria provided. Collection method: clinical testing. Allele origin: germline. Not counted in ClinVar's aggregate classification.
Comment: This variant is classified as likely benign based on ACMG/AMP sequence variant interpretation guidelines (Richards et al. 2015 PMID: 25741868, with internal and published modifications).

NM_018489.3(ASH1L):c.4071G>A (p.Arg1357=)

Gene: ASH1L (ASH1 like histone lysine methyltransferase; minus strand). Cytogenetic location: 1q22.
Variant type: single nucleotide variant.
Coding change: c.4071G>A on transcript NM_018489.3 (MANE Select); coding-DNA position 4071, G replaced by A.
Protein change: p.Arg1357=; no amino-acid change (arginine 1357 retained).
Molecular consequence: synonymous variant.
Genome position (GRCh38, 1-based): chr1:155,478,799, C>T on the plus strand (G>A on the coding strand, the complement: ASH1L is on the minus strand). VCF-style: chr1-155478799-C-T. GRCh37 (hg19) VCF-style: chr1-155448590-C-T.
Other names: c.4071G>A, p.Arg1357= (NM_001366177.2); c.4071G>A (NM_018489.2).
Identifiers: ClinVar variation 2639419 (VCV002639419.25), dbSNP rs142003601, ClinGen allele CA1146992.